The following is an entry in ClinVar:

NM_005918.4(MDH2):c.213C>G (p.Ile71Met)

Gene: MDH2 (malate dehydrogenase 2; plus strand). Cytogenetic location: 7q11.23.
Variant type: single nucleotide variant.
Coding change: c.213C>G on transcript NM_005918.4 (MANE Select); coding-DNA position 213, C replaced by G.
Protein change: p.Ile71Met; replaces isoleucine 71 with methionine.
Molecular consequence: missense variant. On other transcripts: intron variant (1).
Genome position (GRCh38, 1-based): chr7:76,054,976, C>G. VCF-style: chr7-76054976-C-G. GRCh37 (hg19) VCF-style: chr7-75684294-C-G.
Other names: c.213C>G, p.Ile71Met (NM_001282403.2); c.-86-2434C>G (NM_001282404.2); short protein forms I71M.
Identifiers: ClinVar variation 3225184 (VCV003225184.1), dbSNP rs1554586024, ClinGen allele CA367762666.
Genomic context (GRCh38, chr7:76,054,976, plus strand): 5'-CCGCCTGACCCTCTATGATATCGCGCACACACCCGGAGTGGCCGCAGATCTGAGCCACAT[C>G]GAGACCAAAGCCGCTGTGAAAGGTACTGGGCGCGCTGACCCTGGAGACTTGCTTCCTGTC-3'
Protein context (NP_005909.2, residues 61-81): TPGVAADLSH[Ile71Met]ETKAAVKGYL

ClinVar aggregate classification (germline): Uncertain significance (1 of 4 stars; one submission).

Conditions:
Inborn genetic diseases. Identifiers: MedGen C0950123, MeSH D030342.

Submission:

Ambry Genetics
Classification: Uncertain significance for Inborn genetic diseases. Last evaluated: 2023-12-11. Review status: criteria provided, single submitter. Criteria: Ambry Variant Classification Scheme 2023. Collection method: clinical testing. Allele origin: germline.
Comment: The p.I71M variant (also known as c.213C>G), located in coding exon 2 of the MDH2 gene, results from a C to G substitution at nucleotide position 213. The isoleucine at codon 71 is replaced by methionine, an amino acid with highly similar properties. This amino acid position is conserved. In addition, the in silico prediction for this alteration is inconclusive. Since supporting evidence is limited at this time, the clinical significance of this alteration remains unclear.